The following is an entry in ClinVar:

NM_005321.3(H1-4):c.-6T>C

Gene: H1-4 (H1.4 linker histone, cluster member; plus strand). Cytogenetic location: 6p22.2.
Variant type: single nucleotide variant.
Coding change: c.-6T>C on transcript NM_005321.3 (MANE Select); 6 bases upstream of the start codon, T replaced by C.
Molecular consequence: 5 prime UTR variant.
Genome position (GRCh38, 1-based): chr6:26,156,385, T>C. VCF-style: chr6-26156385-T-C. GRCh37 (hg19) VCF-style: chr6-26156613-T-C.
Identifiers: ClinVar variation 2656298 (VCV002656298.24), dbSNP rs767093143, ClinGen allele CA3667810.

ClinVar aggregate classification (germline): Uncertain significance (1 of 4 stars; one submission).

Allele frequency attached by ClinVar (database versions not stated): ExAC 0.00001; gnomAD 0.00001; TOPMed 0.00001.
gnomAD v4.1: 8 of 1,559,688 alleles (0.00051%); highest among the groups gnomAD compares: African/African-American, 0.0096%; no homozygotes.

Submission:

CeGaT Center for Human Genetics Tuebingen
Classification: Uncertain significance. Last evaluated: 2022-05-01. Review status: criteria provided, single submitter. Criteria: CeGaT Center For Human Genetics Tuebingen Variant Classification Criteria Version 2. Collection method: clinical testing. Allele origin: germline. Affected: yes. Observed: 1 variant allele.
Comment: H1-4: PM2, BP4